The following is an entry in ClinVar:

ClinVar aggregate classification (germline): Uncertain significance. Review status: criteria provided, multiple submitters, no conflicts (2 of 4 stars). 2 submissions from 2 submitters: Uncertain significance (2). Last evaluated 2025-08-26.

Conditions:
Cardiovascular phenotype. Identifiers: MedGen CN230736.
Brugada syndrome 4 (BRGDA4). Identifiers: Orphanet 130, MedGen C2678477, MONDO:0012743, OMIM 611876.

Allele frequency attached by ClinVar (database versions not stated): gnomAD 0.00001; TOPMed 0.00001.
gnomAD v4.1: 35 of 1,613,994 alleles (0.0022%); highest among the groups gnomAD compares: Non-Finnish European, 0.0028%; no homozygotes.

Submissions (2):

Ambry Genetics
Classification: Uncertain significance for Cardiovascular phenotype. Last evaluated: 2025-08-26. Review status: criteria provided, single submitter. Criteria: Ambry Variant Classification Scheme 2023. Collection method: clinical testing. Allele origin: germline.

Labcorp Genetics (formerly Invitae), Labcorp
Classification: Uncertain significance for Brugada syndrome 4. Last evaluated: 2024-09-03. Review status: criteria provided, single submitter. Criteria: Invitae Variant Classification Sherloc (09022015). Collection method: clinical testing. Allele origin: germline.
Comment: This sequence change replaces alanine, which is neutral and non-polar, with aspartic acid, which is acidic and polar, at codon 175 of the CACNB2 protein (p.Ala175Asp). This variant is present in population databases (rs145885745, gnomAD 0.003%). This variant has not been reported in the literature in individuals affected with CACNB2-related conditions. ClinVar contains an entry for this variant (Variation ID: 574234). An algorithm developed to predict the effect of missense changes on protein structure and function (PolyPhen-2) suggests that this variant is likely to be tolerated. In summary, the available evidence is currently insufficient to determine the role of this variant in disease. Therefore, it has been classified as a Variant of Uncertain Significance.

NM_201596.3(CACNB2):c.686C>A (p.Ala229Asp)

Gene: CACNB2 (calcium voltage-gated channel auxiliary subunit beta 2; plus strand). Cytogenetic location: 10p12.31.
Variant type: single nucleotide variant.
Coding change: c.686C>A on transcript NM_201596.3 (MANE Select); coding-DNA position 686, C replaced by A.
Protein change: p.Ala229Asp; replaces alanine 229 with aspartic acid.
Molecular consequence: missense variant. On other transcripts: intron variant (5).
Genome position (GRCh38, 1-based): chr10:18,514,251, C>A. VCF-style: chr10-18514251-C-A. GRCh37 (hg19) VCF-style: chr10-18803180-C-A.
Other names: c.521C>A, p.Ala174Asp (NM_000724.4); c.542C>A, p.Ala181Asp (NM_201570.3); c.602C>A, p.Ala201Asp (NM_201571.4); c.524C>A, p.Ala175Asp (NM_201590.3); c.587-260C>A (NM_001167945.2); c.587-729C>A (NM_201572.4); c.671-260C>A (NM_201593.3); c.671-729C>A (NM_201597.3); and 1 more; short protein forms A229D, A175D, A174D, A181D, A201D.
Identifiers: ClinVar variation 574234 (VCV000574234.8), dbSNP rs145885745, ClinGen allele CA203227742.